The following is an entry in ClinVar:

ClinVar aggregate classification (germline): Benign. Review status: criteria provided, multiple submitters, no conflicts (2 of 4 stars). 5 submissions from 5 submitters: Benign (4). 1 of the submissions does not count toward it. Last evaluated 2026-01-28.

Conditions:
TRAPPC9-related disorder. Also called: TRAPPC9-related condition.
History of neurodevelopmental disorder. Identifiers: MedGen C2711754.
Intellectual developmental disorder, autosomal recessive 13. Also called: Intellectual disability, autosomal recessive 13. Identifiers: Orphanet 88616, MedGen C2750791, MONDO:0013173, OMIM 613192.

Submissions (5):

Labcorp Genetics (formerly Invitae), Labcorp
Classification: Benign. Last evaluated: 2026-01-28. Review status: criteria provided, single submitter. Criteria: Invitae Variant Classification Sherloc (09022015). Collection method: clinical testing. Allele origin: germline.

GeneDx
Classification: Benign. Last evaluated: 2020-04-01. Review status: criteria provided, single submitter. Criteria: GeneDx Variant Classification Process June 2021. Collection method: clinical testing. Allele origin: germline. Affected: yes.

Institute of Human Genetics, University of Leipzig Medical Center
Classification: Benign for Intellectual developmental disorder, autosomal recessive 13. Last evaluated: 2020-03-01. Review status: criteria provided, single submitter. Criteria: ACMG Guidelines, 2015. Collection method: clinical testing. Allele origin: biparental. Inheritance: Autosomal recessive inheritance. Affected: yes.
Comment: Review of the variants reported in Reuter et al., 2017, PMID: 28097321: BS1,BS2

Ambry Genetics
Classification: Benign for History of neurodevelopmental disorder. Last evaluated: 2019-03-02. Review status: criteria provided, single submitter. Criteria: Ambry Autosomal Dominant and X-Linked criteria (3/2017). Collection method: clinical testing. Allele origin: germline. Observed: 1 variant allele.
Comment: In silico models in agreement (benign) ;Insufficient or conflicting evidence;Other strong data;Sub-population frequency in support of benign classification (not ava blue, manual h-w)

PreventionGenetics, part of Exact Sciences
Classification: Benign for TRAPPC9-related condition. Last evaluated: 2020-03-19. Review status: no assertion criteria provided. Collection method: clinical testing. Allele origin: germline. Not counted in ClinVar's aggregate classification.
Comment: This variant is classified as benign based on ACMG/AMP sequence variant interpretation guidelines (Richards et al. 2015 PMID: 25741868, with internal and published modifications).

NM_031466.8(TRAPPC9):c.-129_-109dup

Gene: TRAPPC9 (trafficking protein particle complex subunit 9; minus strand). Cytogenetic location: 8q24.3.
Variant type: Duplication.
Coding change: c.-129_-109dup on transcript NM_031466.8; 129 bases upstream of the start codon through 109 bases upstream of the start codon, 21 bases duplicated (GGGGGGTACCGTGAGGGTCAC).
Molecular consequence: 5 prime UTR variant.
Genome position (GRCh38, 1-based): chr8:140,458,379-140,458,399, GTGACCCTCACGGTACCCCCC duplicated on the plus strand (GGGGGGTACCGTGAGGGTCAC on the coding strand, the reverse complement: TRAPPC9 is on the minus strand); duplicating any 21 consecutive bases within chr8:140,458,379-140,458,404 gives the same sequence; the c. name uses the placement nearest the transcript's 3' end. VCF-style (leftmost placement, unchanged base first): chr8-140458378-T-TGTGACCCTCACGGTACCCCCC. GRCh37 (hg19) VCF-style: chr8-141468477-T-TGTGACCCTCACGGTACCCCCC.
Other names: c.166_186dup21 (NM_031466.7); c.166_186dup (NM_031466.5).
Identifiers: ClinVar variation 588116 (VCV000588116.22), dbSNP rs367682297, ClinGen allele CA4893857.